The following is an entry in ClinVar:

ClinVar aggregate classification (germline): Uncertain significance (1 of 4 stars; one submission).

Conditions:
Hereditary cancer-predisposing syndrome. Also called: Neoplastic Syndromes, Hereditary; Tumor predisposition; Hereditary neoplastic syndrome; Hereditary Cancer Syndrome. Identifiers: Orphanet 140162, MedGen C0027672, MeSH D009386, MONDO:0015356.

Submission:

Ambry Genetics
Classification: Uncertain significance for Hereditary cancer-predisposing syndrome. Last evaluated: 2026-07-02. Review status: criteria provided, single submitter. Criteria: Ambry Variant Classification Scheme 2023. Collection method: clinical testing. Allele origin: germline.
Comment: The p.G584S variant (also known as c.1750G>A), located in coding exon 16 of the NF2 gene, results from a G to A substitution at nucleotide position 1750. The glycine at codon 584 is replaced by serine, an amino acid with similar properties. This amino acid position is conserved. In addition, the in silico prediction for this alteration is inconclusive. Based on the available evidence, the clinical significance of this variant remains unclear.

NM_000268.4(NF2):c.1737+1431G>A

Gene: NF2 (NF2, moesin-ezrin-radixin like (MERLIN) tumor suppressor; plus strand). Cytogenetic location: 22q12.2.
Variant type: single nucleotide variant.
Coding change: c.1737+1431G>A on transcript NM_000268.4 (MANE Select); 1431 bases into the intron after coding-DNA position 1737, G replaced by A.
Molecular consequence: intron variant. On other transcripts: missense variant (14).
Genome position (GRCh38, 1-based): chr22:29,683,032, G>A. VCF-style: chr22-29683032-G-A. GRCh37 (hg19) VCF-style: chr22-30079021-G-A.
Other names: c.1636G>A, p.Gly546Ser (NM_001407056.1); c.1627G>A, p.Gly543Ser (NM_001407058.1, NM_181829.3); c.1615G>A, p.Gly539Ser (NM_001407059.1); c.1501G>A, p.Gly501Ser (NM_001407063.1, NM_181830.3, NM_181831.3); c.1216G>A, p.Gly406Ser (NM_001407065.1); c.1750G>A, p.Gly584Ser (NM_001407066.1, NM_016418.5, NM_181825.3 and 1 more transcripts); c.1519G>A, p.Gly507Ser (NM_001407067.1); c.1624G>A, p.Gly542Ser (NM_181828.3); and 8 more; short protein forms G501S, G539S, G543S, G507S, G542S, G546S, G406S, G584S.
Identifiers: ClinVar variation 5025687 (VCV005025687.1).
Genomic context (GRCh38, chr22:29,683,032, plus strand): 5'-ATCACAGGGTATGTTTTTGTTTTTCTTCATTTTATTTTGCTGGTTTAGCCTCAAGCCCAA[G>A]GCAGAAGACCTATCTGCATTTGAGCCCTCAAAGTAGGTTGTTCCCAGGTACTCTCTATGT-3'